The following is an entry in ClinVar:

NC_000004.11:g.(?_121616266)_(121616450_?)del

Gene: PRDM5 (PR/SET domain 5; minus strand). Cytogenetic location: 4q27.
Variant type: Deletion.
Identifiers: ClinVar variation 2426483 (VCV002426483.4).

ClinVar aggregate classification (germline): Uncertain significance (1 of 4 stars; one submission).

Submission:

Labcorp Genetics (formerly Invitae), Labcorp
Classification: Uncertain significance. Last evaluated: 2022-11-22. Review status: criteria provided, single submitter. Criteria: Invitae Variant Classification Sherloc (09022015). Collection method: clinical testing. Allele origin: germline.
Comment: In summary, the available evidence is currently insufficient to determine the role of this variant in disease. Therefore, it has been classified as a Variant of Uncertain Significance. This variant disrupts a region of the PRDM5 protein in which other variant(s) (p.R590*) have been observed in individuals with PRDM5-related conditions (PMID: 21664999). This suggests that this is a clinically significant region of the protein, and that variants that disrupt it are likely to be disease-causing. Experimental studies and prediction algorithms are not available or were not evaluated, and the functional significance of this variant is currently unknown. This variant has not been reported in the literature in individuals affected with PRDM5-related conditions. This variant is a gross deletion of the genomic region encompassing exon(s) 16 of the PRDM5 gene, which includes the termination codon. This deletion extends beyond the assayed region for this gene and therefore may encompass additional genes. While this deletion is not anticipated to lead to nonsense mediated decay, it is expected to alter mRNA translation or result in a truncated protein product.

Literature cited by the submitters: PubMed 21664999.